The following is an entry in ClinVar:

NM_000572.3(IL10):c.225+56A>G

Genes: IL10 (interleukin 10; minus strand), IL19 (interleukin 19; plus strand). Cytogenetic location: 1q32.1.
Variant type: single nucleotide variant.
Coding change: c.225+56A>G on transcript NM_000572.3 (MANE Select); 56 bases into the intron after coding-DNA position 225, A replaced by G.
Molecular consequence: intron variant.
Genome position (GRCh38, 1-based): chr1:206,771,300, T>C on the plus strand (A>G on the coding strand, the complement: IL10 is on the minus strand). VCF-style: chr1-206771300-T-C. GRCh37 (hg19) VCF-style: chr1-206944645-T-C.
Other names: c.-149+222T>C (NM_153758.5); c.-149+470T>C (NM_001393490.1).
Identifiers: ClinVar variation 1166835 (VCV001166835.10), dbSNP rs1518111, ClinGen allele CA10699285.

ClinVar aggregate classification (germline): Benign. Review status: criteria provided, multiple submitters, no conflicts (2 of 4 stars). 3 submissions from 3 submitters: Benign (3). Last evaluated 2026-01-26.

Conditions:
Inflammatory bowel disease. Identifiers: Orphanet 104012, MedGen C0021390, MONDO:0005265.

Allele frequency attached by ClinVar (database versions not stated): 1000 Genomes Project 0.57308; 1000 Genomes Project 30x 0.57870; TOPMed 0.68645; gnomAD 0.70164 and 0.70961; ESP Exome Variant Server 0.73259; gnomAD exomes 0.75815.
gnomAD v4.1: 1,105,582 of 1,471,248 alleles (75%); highest among the groups gnomAD compares: Non-Finnish European, 80%; 423,676 homozygotes.

Submissions (3):

Labcorp Genetics (formerly Invitae), Labcorp
Classification: Benign for Inflammatory bowel disease. Last evaluated: 2026-01-26. Review status: criteria provided, single submitter. Criteria: Invitae Variant Classification Sherloc (09022015). Collection method: clinical testing. Allele origin: germline.

Unidad de Genómica Garrahan, Hospital de Pediatría Garrahan
Classification: Benign. Last evaluated: 2023-11-12. Review status: criteria provided, single submitter. Criteria: ACMG Guidelines, 2015. Collection method: clinical testing. Allele origin: germline. Affected: no. Observed: 82 variant alleles.
Comment: This variant is classified as Benign based on local population frequency. This variant was detected in 85% of patients studied by a panel of primary immunodeficiencies. Number of patients: 82. Only high quality variants are reported.

Breakthrough Genomics
Classification: Benign. Review status: criteria provided, single submitter. Criteria: ACMG Guidelines, 2015. Collection method: not provided. Allele origin: germline. Inheritance: Unknown mechanism. Affected: yes.